The following is an entry in ClinVar:

ClinVar aggregate classification (germline): Uncertain significance (1 of 4 stars; one submission).

Conditions:
Spastic paraplegia. Identifiers: MedGen C0037772, HP:0001258.

Submission:

Labcorp Genetics (formerly Invitae), Labcorp
Classification: Uncertain significance for Spastic paraplegia. Last evaluated: 2024-02-24. Review status: criteria provided, single submitter. Criteria: Invitae Variant Classification Sherloc (09022015). Collection method: clinical testing. Allele origin: germline.
Comment: This sequence change replaces isoleucine, which is neutral and non-polar, with phenylalanine, which is neutral and non-polar, at codon 233 of the AP4E1 protein (p.Ile233Phe). This variant is present in population databases (no rsID available, gnomAD 0.003%). This variant has not been reported in the literature in individuals affected with AP4E1-related conditions. ClinVar contains an entry for this variant (Variation ID: 2119166). An algorithm developed to predict the effect of missense changes on protein structure and function (PolyPhen-2) suggests that this variant is likely to be disruptive. In summary, the available evidence is currently insufficient to determine the role of this variant in disease. Therefore, it has been classified as a Variant of Uncertain Significance.

NM_007347.5(AP4E1):c.697A>T (p.Ile233Phe)

Gene: AP4E1 (adaptor related protein complex 4 subunit epsilon 1; plus strand). Cytogenetic location: 15q21.2.
Variant type: single nucleotide variant.
Coding change: c.697A>T on transcript NM_007347.5 (MANE Select); coding-DNA position 697, A replaced by T.
Protein change: p.Ile233Phe; replaces isoleucine 233 with phenylalanine.
Molecular consequence: missense variant.
Genome position (GRCh38, 1-based): chr15:50,929,163, A>T. VCF-style: chr15-50929163-A-T. GRCh37 (hg19) VCF-style: chr15-51221360-A-T.
Other names: c.472A>T, p.Ile158Phe (NM_001252127.2); short protein forms I158F, I233F.
Identifiers: ClinVar variation 2119166 (VCV002119166.4), dbSNP rs143098752, ClinGen allele CA392415961.
Genomic context (GRCh38, chr15:50,929,163, plus strand): 5'-GCACTTTGTGACAGAGATGTTGGGGTCATGGCTGCCTCCTTGCATATATATCTTAGAATG[A>T]TTAAGGTAAGTTGGAAATTTTAGCAAGTACTGAGTAGTTACCATTAGAAAAATACAATTA-3'
Protein context (NP_031373.2, residues 223-243): AASLHIYLRM[Ile233Phe]KENSSGYKDL